The following is an entry in ClinVar:

NM_001165963.4(SCN1A):c.3705+1G>A

Genes: SCN1A (sodium voltage-gated channel alpha subunit 1; minus strand), LOC102724058 (uncharacterized LOC102724058; plus strand). Cytogenetic location: 2q24.3.
Variant type: single nucleotide variant.
Coding change: c.3705+1G>A on transcript NM_001165963.4 (MANE Select); the canonical splice donor site of the intron after coding-DNA position 3705, G replaced by A.
Molecular consequence: splice donor variant.
Genome position (GRCh38, 1-based): chr2:166,013,743, C>T on the plus strand (G>A on the coding strand, the complement: SCN1A is on the minus strand). VCF-style: chr2-166013743-C-T. GRCh37 (hg19) VCF-style: chr2-166870253-C-T.
Other names: c.1263+1G>A (NM_001353961.2); c.3672+1G>A (NM_006920.6, NM_001353949.2, NM_001353950.2 and 2 more transcripts); c.3621+1G>A (NM_001353958.2, NM_001353957.2, NM_001165964.3); c.3705+1G>A (NM_001202435.3, NM_001353948.2); c.3669+1G>A (NM_001353955.2, NM_001353954.2); c.3618+1G>A (NM_001353960.2).
Identifiers: ClinVar variation 189902 (VCV000189902.10), dbSNP rs794726744, ClinGen allele CA303258.

ClinVar aggregate classification (germline): Pathogenic. Review status: criteria provided, multiple submitters, no conflicts (2 of 4 stars). 3 submissions from 3 submitters: Pathogenic (3). Last evaluated 2021-09-16.

Conditions:
Early-infantile DEE. Also called: Early infantile epileptic encephalopathy; Ohtahara syndrome; Early infantile epileptic encephalopathy with suppression bursts. Identifiers: Orphanet 1934, MedGen C0393706, MONDO:0800491.
Generalized epilepsy with febrile seizures plus, type 2 (GEFSP2). Also called: GEFS+, TYPE 2. Identifiers: Orphanet 36387, MedGen C1858673, MONDO:0011461, OMIM 604403.
Severe myoclonic epilepsy in infancy (DRVT). Also called: Epileptic encephalopathy, early infantile, 6 (Dravet syndrome); SEVERE MYOCLONIC EPILEPSY OF INFANCY; DEVELOPMENTAL AND EPILEPTIC ENCEPHALOPATHY 6A; Severe Myoclonic Epilepsy in Infancy (SMEI); Dravet syndrome. Identifiers: Orphanet 33069, MedGen C0751122, MONDO:0100135, OMIM 607208.

Submissions (3):

Institute of Human Genetics, University of Leipzig Medical Center
Classification: Pathogenic for Generalized epilepsy with febrile seizures plus, type 2. Last evaluated: 2021-09-16. Review status: criteria provided, single submitter. Criteria: ACMG Guidelines, 2015. Collection method: clinical testing. Allele origin: unknown. Affected: yes.

Labcorp Genetics (formerly Invitae), Labcorp
Classification: Pathogenic for Early-infantile DEE. Last evaluated: 2020-03-04. Review status: criteria provided, single submitter. Criteria: Invitae Variant Classification Sherloc (09022015). Collection method: clinical testing. Allele origin: germline.
Comment: Disruption of this splice site has been observed in individual(s) with SCN1A-related conditions (PMID: 14504318, 23808377). ClinVar contains an entry for this variant (Variation ID: 189902). This variant is also known as IVS18+1G>A in the literature (PMID: 14504318). For these reasons, this variant has been classified as Pathogenic. Donor and acceptor splice site variants typically lead to a loss of protein function (PMID: 16199547), and loss-of-function variants in SCN1A are known to be pathogenic (PMID: 17347258, 18930999). Algorithms developed to predict the effect of sequence changes on RNA splicing suggest that this variant may disrupt the consensus splice site, but this prediction has not been confirmed by published transcriptional studies. This variant is not present in population databases (ExAC no frequency). This sequence change affects a donor splice site in intron 18 of the SCN1A gene. It is expected to disrupt RNA splicing and likely results in an absent or disrupted protein product.

Center for Bioinformatics, Peking University
Classification: Pathogenic for Dravet syndrome. Last evaluated: 2014-12-20. Review status: criteria provided, single submitter. Criteria: Xu et al. (Hum Mutat. 2015). Collection method: research. Allele origin: de novo. Affected: yes. Observed: 1 variant allele. Study: University Clinical Cooperation “985 Project” PKU-2014-1-1.
Comment: Dravet syndrome (DS) probands were recruited from the outpatient and inpatient child neurology units of Peking University First Hospital from 2005 till present. The study was approved by the Ethics Committee of Peking University First Hospital and the Institutional Review Board at Peking University. Participants or their parents provided written informed consent before enrollment. We collected a total of 267 mutations from 255 families with probands diagnosed with DS in China. All probands fulfilled the clinical diagnostic criteria.

Literature cited by the submitters: PubMed 14504318 (cited by Labcorp Genetics (formerly Invitae), Labcorp); PubMed 23808377 (cited by Labcorp Genetics (formerly Invitae), Labcorp); PubMed 16199547 (cited by Labcorp Genetics (formerly Invitae), Labcorp); PubMed 17347258 (cited by Labcorp Genetics (formerly Invitae), Labcorp); PubMed 18930999 (cited by Labcorp Genetics (formerly Invitae), Labcorp).